The following is an entry in ClinVar:

ClinVar aggregate classification (germline): Uncertain significance (1 of 4 stars; one submission).

Conditions:
Cobalamin C disease. Also called: Methylmalonic aciduria and homocystinuria, Vitamin B12-responsive; Vitamin B12 metabolic defect with combined deficiency of methylmalonyl-CoA mutase and homocysteine:methyltetrahydrofolate methyltransferase; methylmalonic aciduria and homocystinuria type cblC; Methylmalonic aciduria with homocystinuria cblC type; Cobalamin-C methylmalonic acidemia and homocystinuria; Methylmalonic acidemia and homocystinuria cblC type. Identifiers: Orphanet 26, Orphanet 79282, MedGen C1848561, MONDO:0010184, OMIM 277400.

Allele frequency attached by ClinVar (database versions not stated): gnomAD exomes below 0.00001.

Submission:

Labcorp Genetics (formerly Invitae), Labcorp
Classification: Uncertain significance for Cobalamin C disease. Last evaluated: 2026-01-19. Review status: criteria provided, single submitter. Criteria: Invitae Variant Classification Sherloc (09022015). Collection method: clinical testing. Allele origin: germline.
Comment: This sequence change replaces cysteine, which is neutral and slightly polar, with tyrosine, which is neutral and polar, at codon 82 of the MMACHC protein (p.Cys82Tyr). This variant is present in population databases (no rsID available, gnomAD 0.0009%). This variant has not been reported in the literature in individuals affected with MMACHC-related conditions. ClinVar contains an entry for this variant (Variation ID: 2124193). Invitae Evidence Modeling of protein sequence and biophysical properties (such as structural, functional, and spatial information, amino acid conservation, physicochemical variation, residue mobility, and thermodynamic stability) has been performed for this missense variant. However, the output from this modeling did not meet the statistical confidence thresholds required to predict the impact of this variant on MMACHC protein function. In summary, the available evidence is currently insufficient to determine the role of this variant in disease. Therefore, it has been classified as a Variant of Uncertain Significance.

NM_015506.3(MMACHC):c.245G>A (p.Cys82Tyr)

Gene: MMACHC (metabolism of cobalamin associated C; plus strand). Cytogenetic location: 1p34.1.
Variant type: single nucleotide variant.
Coding change: c.245G>A on transcript NM_015506.3 (MANE Select); coding-DNA position 245, G replaced by A.
Protein change: p.Cys82Tyr; replaces cysteine 82 with tyrosine.
Molecular consequence: missense variant.
Genome position (GRCh38, 1-based): chr1:45,507,519, G>A. VCF-style: chr1-45507519-G-A. GRCh37 (hg19) VCF-style: chr1-45973191-G-A.
Other names: c.74G>A, p.Cys25Tyr (NM_001330540.2); short protein forms C25Y, C82Y.
Identifiers: ClinVar variation 2124193 (VCV002124193.4), dbSNP rs1396266726, ClinGen allele CA340132011.